The following is an entry in ClinVar:

ClinVar aggregate classification (germline): Uncertain significance (1 of 4 stars; one submission).

Conditions:
Deficiency of hydroxymethylglutaryl-CoA lyase (HMGCLD). Also called: Defect in leucine metabolism; 3-hydroxy-3-methylglutaric aciduria; HMG-CoA LYASE DEFICIENCY; HMGCL DEFICIENCY; HYDROXYMETHYLGLUTARIC ACIDURIA. Identifiers: Orphanet 20, MedGen C1533587, MONDO:0009520, OMIM 246450.

Allele frequency attached by ClinVar (database versions not stated): ExAC 0.00001.
gnomAD v4.1: 2 of 1,613,392 alleles (0.00012%); highest among the groups gnomAD compares: South Asian, 0.0011%; no homozygotes.

Submission:

Labcorp Genetics (formerly Invitae), Labcorp
Classification: Uncertain significance for Deficiency of hydroxymethylglutaryl-CoA lyase. Last evaluated: 2022-04-06. Review status: criteria provided, single submitter. Criteria: Invitae Variant Classification Sherloc (09022015). Collection method: clinical testing. Allele origin: germline.
Comment: This sequence change falls in intron 7 of the HMGCL gene. It does not directly change the encoded amino acid sequence of the HMGCL protein. It affects a nucleotide within the consensus splice site. In summary, the available evidence is currently insufficient to determine the role of this variant in disease. Therefore, it has been classified as a Variant of Uncertain Significance. Variants that disrupt the consensus splice site are a relatively common cause of aberrant splicing (PMID: 17576681, 9536098). Algorithms developed to predict the effect of sequence changes on RNA splicing suggest that this variant is not likely to affect RNA splicing. This variant has not been reported in the literature in individuals affected with HMGCL-related conditions. This variant is present in population databases (rs775543942, gnomAD 0.0009%).

Literature cited by the submitters: PubMed 17576681; PubMed 9536098.

NM_000191.3(HMGCL):c.750+6C>T

Gene: HMGCL (3-hydroxy-3-methylglutaryl-CoA lyase; minus strand). Cytogenetic location: 1p36.11.
Variant type: single nucleotide variant.
Coding change: c.750+6C>T on transcript NM_000191.3 (MANE Select); 6 bases into the intron after coding-DNA position 750, C replaced by T.
Molecular consequence: intron variant.
Genome position (GRCh38, 1-based): chr1:23,808,129, G>A on the plus strand (C>T on the coding strand, the complement: HMGCL is on the minus strand). VCF-style: chr1-23808129-G-A. GRCh37 (hg19) VCF-style: chr1-24134619-G-A.
Other names: c.537+6C>T (NM_001166059.2).
Identifiers: ClinVar variation 2122262 (VCV002122262.4), dbSNP rs775543942, ClinGen allele CA685993.
Genomic context (GRCh38, chr1:23,808,129, plus strand): 5'-ATAAATGATAACAAGCTGTCCTGCCCACCGTGACCTTTGGGAGAATGGGCATATGCTTTT[G>A]ATTACCTGCAGGGCCATCAAGGTGTTGGCCAGGGCTTGACCATAGGTGTCATGGCAGTGG-3'